The following is an entry in ClinVar:

ClinVar aggregate classification (germline): Uncertain significance. Review status: criteria provided, multiple submitters, no conflicts (2 of 4 stars). 2 submissions from 2 submitters: Uncertain significance (2). Last evaluated 2024-10-13.

Conditions:
Ullrich congenital muscular dystrophy 2 (UCMD2). Identifiers: Orphanet 75840, MedGen C4225314, MONDO:0014654, OMIM 616470.
Bethlem myopathy 2 (BTHLM2). Identifiers: Orphanet 536516, Orphanet 610, MedGen C4225313, MONDO:0034022, OMIM 616471.
COL12A1-related disorder. Also called: COL12A1-related condition.

Allele frequency attached by ClinVar (database versions not stated): TOPMed below 0.00001.

Submissions (2):

Labcorp Genetics (formerly Invitae), Labcorp
Classification: Uncertain significance for Bethlem myopathy 2; Ullrich congenital muscular dystrophy 2. Last evaluated: 2024-10-13. Review status: criteria provided, single submitter. Criteria: Invitae Variant Classification Sherloc (09022015). Collection method: clinical testing. Allele origin: germline.
Comment: This sequence change replaces leucine, which is neutral and non-polar, with valine, which is neutral and non-polar, at codon 965 of the COL12A1 protein (p.Leu965Val). This variant is not present in population databases (gnomAD no frequency). This variant has not been reported in the literature in individuals affected with COL12A1-related conditions. ClinVar contains an entry for this variant (Variation ID: 972988). Invitae Evidence Modeling of protein sequence and biophysical properties (such as structural, functional, and spatial information, amino acid conservation, physicochemical variation, residue mobility, and thermodynamic stability) has been performed for this missense variant. However, the output from this modeling did not meet the statistical confidence thresholds required to predict the impact of this variant on COL12A1 protein function. In summary, the available evidence is currently insufficient to determine the role of this variant in disease. Therefore, it has been classified as a Variant of Uncertain Significance.

GeneDx
Classification: Uncertain significance. Last evaluated: 2020-04-29. Review status: criteria provided, single submitter. Criteria: GeneDx Variant Classification Process June 2021. Collection method: clinical testing. Allele origin: germline. Affected: yes.
Comment: Has not been previously published as pathogenic or benign to our knowledge; Not observed in large population cohorts (Lek et al., 2016); In silico analysis supports that this missense variant does not alter protein structure/function

NM_004370.6(COL12A1):c.2893C>G (p.Leu965Val)

Gene: COL12A1 (collagen type XII alpha 1 chain; minus strand). Cytogenetic location: 6q13.
Variant type: single nucleotide variant.
Coding change: c.2893C>G on transcript NM_004370.6 (MANE Select); coding-DNA position 2893, C replaced by G.
Protein change: p.Leu965Val; replaces leucine 965 with valine.
Molecular consequence: missense variant. On other transcripts: intron variant (1).
Genome position (GRCh38, 1-based): chr6:75,165,597, G>C on the plus strand (C>G on the coding strand, the complement: COL12A1 is on the minus strand). VCF-style: chr6-75165597-G-C. GRCh37 (hg19) VCF-style: chr6-75875313-G-C.
Other names: c.74-13115C>G (NM_080645.3); short protein forms L965V.
Identifiers: ClinVar variation 972988 (VCV000972988.7), dbSNP rs771868336, ClinGen allele CA364757855.